The following is an entry in ClinVar:

NM_002294.3(LAMP2):c.379C>T (p.Pro127Ser)

Gene: LAMP2 (lysosomal associated membrane protein 2; minus strand). Cytogenetic location: Xq24.
Variant type: single nucleotide variant.
Coding change: c.379C>T on transcript NM_002294.3 (MANE Select); coding-DNA position 379, C replaced by T.
Protein change: p.Pro127Ser; replaces proline 127 with serine.
Molecular consequence: missense variant.
Genome position (GRCh38, 1-based): chrX:120,455,375, G>A on the plus strand (C>T on the coding strand, the complement: LAMP2 is on the minus strand). VCF-style: chrX-120455375-G-A. GRCh37 (hg19) VCF-style: chrX-119589230-G-A.
Other names: c.379C>T, p.Pro127Ser (NM_001122606.1, NM_013995.2); short protein forms P127S.
Identifiers: ClinVar variation 1312215 (VCV001312215.2), dbSNP rs2147286737, ClinGen allele CA414402756.
Genomic context (GRCh38, chrX:120,455,375, plus strand): 5'-AAAAAGCAAGAGAACATAACACAAATCCATTCTTAAGGTTACCTTTATCTTCAGCATCAG[G>A]AAATGTTGTGTTATCACCAGTGTTGTAGGAAAATGAGACGCTGTCAATTGAATAAGTAGA-3'
Protein context (NP_002285.1, residues 117-137): SYNTGDNTTF[Pro127Ser]DAEDKGILTV

ClinVar aggregate classification (germline): Uncertain significance (1 of 4 stars; one submission).

Submission:

GeneDx
Classification: Uncertain significance. Last evaluated: 2020-12-31. Review status: criteria provided, single submitter. Criteria: GeneDx Variant Classification Process June 2021. Collection method: clinical testing. Allele origin: germline. Affected: yes.
Comment: Not observed in large population cohorts (Lek et al., 2016); In silico analysis, which includes protein predictors and evolutionary conservation, supports a deleterious effect; Has not been previously published as pathogenic or benign to our knowledge